The following is an entry in ClinVar:

ClinVar aggregate classification (germline): Uncertain significance. Review status: criteria provided, multiple submitters, no conflicts (2 of 4 stars). 2 submissions from 2 submitters: Uncertain significance (2). Last evaluated 2025-11-13.

gnomAD v4.1: 3 of 1,580,704 alleles (0.00019%); highest among the groups gnomAD compares: Middle Eastern, 0.017%; no homozygotes.

Submissions (2):

Ambry Genetics
Classification: Uncertain significance. Last evaluated: 2025-11-13. Review status: criteria provided, single submitter. Criteria: Ambry Variant Classification Scheme 2023. Collection method: clinical testing. Allele origin: germline.

Labcorp Genetics (formerly Invitae), Labcorp
Classification: Uncertain significance. Last evaluated: 2025-09-15. Review status: criteria provided, single submitter. Criteria: Invitae Variant Classification Sherloc (09022015). Collection method: clinical testing. Allele origin: germline.
Comment: This sequence change replaces proline, which is neutral and non-polar, with leucine, which is neutral and non-polar, at codon 163 of the FGFRL1 protein (p.Pro163Leu). This variant is not present in population databases (gnomAD no frequency). This variant has not been reported in the literature in individuals affected with FGFRL1-related conditions. An algorithm developed to predict the effect of missense changes on protein structure and function (PolyPhen-2) suggests that this variant is likely to be disruptive. In summary, the available evidence is currently insufficient to determine the role of this variant in disease. Therefore, it has been classified as a Variant of Uncertain Significance.

NM_001004356.3(FGFRL1):c.488C>T (p.Pro163Leu)

Gene: FGFRL1 (fibroblast growth factor receptor like 1; plus strand). Cytogenetic location: 4p16.3.
Variant type: single nucleotide variant.
Coding change: c.488C>T on transcript NM_001004356.3 (MANE Select); coding-DNA position 488, C replaced by T.
Protein change: p.Pro163Leu; replaces proline 163 with leucine.
Molecular consequence: missense variant.
Genome position (GRCh38, 1-based): chr4:1,023,871, C>T. VCF-style: chr4-1023871-C-T. GRCh37 (hg19) VCF-style: chr4-1017659-C-T.
Other names: c.488C>T, p.Pro163Leu (NM_001004358.1, NM_001370296.1, NM_021923.3); short protein forms P163L.
Identifiers: ClinVar variation 4668522 (VCV004668522.2).